The following is an entry in ClinVar:

ClinVar aggregate classification (germline): Uncertain significance (1 of 4 stars; one submission).

Allele frequency attached by ClinVar (database versions not stated): gnomAD exomes 0.00002; ExAC 0.00006; TOPMed 0.00013; ESP Exome Variant Server 0.00015; gnomAD 0.00016.
gnomAD v4.1: 54 of 1,611,352 alleles (0.0034%); highest among the groups gnomAD compares: African/African-American, 0.068%; no homozygotes.

Submission:

Labcorp Genetics (formerly Invitae), Labcorp
Classification: Uncertain significance. Last evaluated: 2022-04-09. Review status: criteria provided, single submitter. Criteria: Invitae Variant Classification Sherloc (09022015). Collection method: clinical testing. Allele origin: germline.
Comment: This sequence change replaces methionine, which is neutral and non-polar, with threonine, which is neutral and polar, at codon 813 of the TRPC3 protein (p.Met813Thr). This variant is present in population databases (rs35312610, gnomAD 0.07%), and has an allele count higher than expected for a pathogenic variant. This variant has not been reported in the literature in individuals affected with TRPC3-related conditions. Algorithms developed to predict the effect of missense changes on protein structure and function are either unavailable or do not agree on the potential impact of this missense change (SIFT: "Deleterious"; PolyPhen-2: "Benign"; Align-GVGD: "Class C0"). In summary, the available evidence is currently insufficient to determine the role of this variant in disease. Therefore, it has been classified as a Variant of Uncertain Significance.

NM_001130698.2(TRPC3):c.2438T>C (p.Met813Thr)

Gene: TRPC3 (transient receptor potential cation channel subfamily C member 3; minus strand). Cytogenetic location: 4q27.
Variant type: single nucleotide variant.
Coding change: c.2438T>C on transcript NM_001130698.2 (MANE Select); coding-DNA position 2438, T replaced by C.
Protein change: p.Met813Thr; replaces methionine 813 with threonine.
Molecular consequence: missense variant.
Genome position (GRCh38, 1-based): chr4:121,902,877, A>G on the plus strand (T>C on the coding strand, the complement: TRPC3 is on the minus strand). VCF-style: chr4-121902877-A-G. GRCh37 (hg19) VCF-style: chr4-122824032-A-G.
Other names: c.2438T>C, p.Met813Thr (NM_001366479.2); c.2219T>C, p.Met740Thr (NM_003305.2); short protein forms M740T, M813T.
Identifiers: ClinVar variation 2187367 (VCV002187367.4), dbSNP rs35312610, ClinGen allele CA3064750.